The following is an entry in ClinVar:

NM_001148.6(ANK2):c.11143G>C (p.Glu3715Gln)

Gene: ANK2 (ankyrin 2; plus strand). Cytogenetic location: 4q26.
Variant type: single nucleotide variant.
Coding change: c.11143G>C on transcript NM_001148.6 (MANE Select); coding-DNA position 11143, G replaced by C.
Protein change: p.Glu3715Gln; replaces glutamic acid 3715 with glutamine.
Molecular consequence: missense variant.
Genome position (GRCh38, 1-based): chr4:113,367,676, G>C. VCF-style: chr4-113367676-G-C. GRCh37 (hg19) VCF-style: chr4-114288832-G-C.
Other names: c.4861G>C, p.Glu1621Gln (NM_001127493.3); c.4900G>C, p.Glu1634Gln (NM_001354225.2); c.4789G>C, p.Glu1597Gln (NM_001354228.2, NM_001354258.2); c.4867G>C, p.Glu1623Gln (NM_001354230.2); c.4930G>C, p.Glu1644Gln (NM_001354231.2, NM_001354242.2); c.4924G>C, p.Glu1642Gln (NM_001354232.2); c.4885G>C, p.Glu1629Gln (NM_001354235.2, NM_001354246.2, NM_001354265.2); c.4786G>C, p.Glu1596Gln (NM_001354236.2); and 35 more; short protein forms E1469Q, E1555Q, E1559Q, E1568Q, E1587Q, E1609Q, E1629Q, E1645Q.
Identifiers: ClinVar variation 3014281 (VCV003014281.4), dbSNP rs1222497914, ClinGen allele CA357942059.

ClinVar aggregate classification (germline): Uncertain significance. Review status: criteria provided, multiple submitters, no conflicts (2 of 4 stars). 2 submissions from 2 submitters: Uncertain significance (2). Last evaluated 2024-10-07.

Conditions:
Cardiovascular phenotype. Identifiers: MedGen CN230736.
Long QT syndrome (LQTS). Identifiers: MedGen C0023976, MeSH D008133, MONDO:0002442. Disease mechanism: loss of function. Inheritance: Various modes of inheritance.

Allele frequency attached by ClinVar (database versions not stated): gnomAD exomes 0.00001.
gnomAD v4.1: 3 of 1,613,928 alleles (0.00019%); highest among the groups gnomAD compares: South Asian, 0.0033%; no homozygotes.

Submissions (2):

Ambry Genetics
Classification: Uncertain significance for Cardiovascular phenotype. Last evaluated: 2024-10-07. Review status: criteria provided, single submitter. Criteria: Ambry Variant Classification Scheme 2023. Collection method: clinical testing. Allele origin: germline.

Labcorp Genetics (formerly Invitae), Labcorp
Classification: Uncertain significance for Long QT syndrome. Last evaluated: 2023-01-06. Review status: criteria provided, single submitter. Criteria: Invitae Variant Classification Sherloc (09022015). Collection method: clinical testing. Allele origin: germline.
Comment: In summary, the available evidence is currently insufficient to determine the role of this variant in disease. Therefore, it has been classified as a Variant of Uncertain Significance. Advanced modeling of protein sequence and biophysical properties (such as structural, functional, and spatial information, amino acid conservation, physicochemical variation, residue mobility, and thermodynamic stability) has been performed at Invitae for this missense variant, however the output from this modeling did not meet the statistical confidence thresholds required to predict the impact of this variant on ANK2 protein function. This variant has not been reported in the literature in individuals affected with ANK2-related conditions. This variant is present in population databases (no rsID available, gnomAD 0.003%). This sequence change replaces glutamic acid, which is acidic and polar, with glutamine, which is neutral and polar, at codon 3715 of the ANK2 protein (p.Glu3715Gln).